The following is an entry in ClinVar:

NM_015041.3(CLUAP1):c.326A>C (p.Lys109Thr)

Gene: CLUAP1 (clusterin associated protein 1; plus strand). Cytogenetic location: 16p13.3.
Variant type: single nucleotide variant.
Coding change: c.326A>C on transcript NM_015041.3 (MANE Select); coding-DNA position 326, A replaced by C.
Protein change: p.Lys109Thr; replaces lysine 109 with threonine.
Molecular consequence: missense variant.
Genome position (GRCh38, 1-based): chr16:3,508,395, A>C. VCF-style: chr16-3508395-A-C. GRCh37 (hg19) VCF-style: chr16-3558395-A-C.
Other names: c.326A>C, p.Lys109Thr (NM_001330454.2); short protein forms K109T.
Identifiers: ClinVar variation 2042187 (VCV002042187.4), dbSNP rs775322565, ClinGen allele CA394512348.

ClinVar aggregate classification (germline): Uncertain significance (1 of 4 stars; one submission).

Submission:

Labcorp Genetics (formerly Invitae), Labcorp
Classification: Uncertain significance. Last evaluated: 2021-12-13. Review status: criteria provided, single submitter. Criteria: Invitae Variant Classification Sherloc (09022015). Collection method: clinical testing. Allele origin: germline.
Comment: Algorithms developed to predict the effect of missense changes on protein structure and function are either unavailable or do not agree on the potential impact of this missense change (SIFT: "Deleterious"; PolyPhen-2: "Benign"; Align-GVGD: "Class C0"). This variant has not been reported in the literature in individuals affected with CLUAP1-related conditions. This variant is not present in population databases (gnomAD no frequency). This sequence change replaces lysine, which is basic and polar, with threonine, which is neutral and polar, at codon 109 of the CLUAP1 protein (p.Lys109Thr). In summary, the available evidence is currently insufficient to determine the role of this variant in disease. Therefore, it has been classified as a Variant of Uncertain Significance.